The following is an entry in ClinVar:

NM_024753.5(TTC21B):c.711G>T (p.Arg237Ser)

Gene: TTC21B (tetratricopeptide repeat domain 21B; minus strand). Cytogenetic location: 2q24.3.
Variant type: single nucleotide variant.
Coding change: c.711G>T on transcript NM_024753.5 (MANE Select); coding-DNA position 711, G replaced by T.
Protein change: p.Arg237Ser; replaces arginine 237 with serine.
Molecular consequence: missense variant.
Genome position (GRCh38, 1-based): chr2:165,933,057, C>A on the plus strand (G>T on the coding strand, the complement: TTC21B is on the minus strand). VCF-style: chr2-165933057-C-A. GRCh37 (hg19) VCF-style: chr2-166789567-C-A.
Other names: c.711G>T (NM_024753.4); short protein forms R237S.
Identifiers: ClinVar variation 1502824 (VCV001502824.10), dbSNP rs764523560, ClinGen allele CA1942357.

ClinVar aggregate classification (germline): Uncertain significance. Review status: criteria provided, multiple submitters, no conflicts (2 of 4 stars). 3 submissions from 3 submitters: Uncertain significance (2). 1 of the submissions does not count toward it. Last evaluated 2022-10-31.

Conditions:
Jeune thoracic dystrophy. Also called: Short-rib thoracic dysplasia; Jeune syndrome; Infantile thoracic dystrophy; Thoracic pelvic phalangeal dystrophy; Jeune's syndrome; Chondroectodermal dysplasia-like syndrome. Identifiers: Orphanet 474, MedGen C0265275, MONDO:0018770.
Nephronophthisis. Also called: Juvenile Nephronophthisis. Identifiers: Orphanet 655, MedGen C0687120, MONDO:0019005, HP:0000090.
TTC21B-related disorder. Also called: TTC21B-related disorders; TTC21B-related condition.

Allele frequency attached by ClinVar (database versions not stated): ExAC 0.00002; gnomAD exomes 0.00002 and 0.00003.
gnomAD v4.1: 47 of 1,611,830 alleles (0.0029%); highest among the groups gnomAD compares: Non-Finnish European, 0.0038%; no homozygotes.

Submissions (3):

Blueprint Genetics
Classification: Uncertain significance. Last evaluated: 2022-10-31. Review status: criteria provided, single submitter. Criteria: ACMG Guidelines, 2015. Collection method: clinical testing. Allele origin: germline.

Labcorp Genetics (formerly Invitae), Labcorp
Classification: Uncertain significance for Jeune thoracic dystrophy; Nephronophthisis. Last evaluated: 2022-07-19. Review status: criteria provided, single submitter. Criteria: Invitae Variant Classification Sherloc (09022015). Collection method: clinical testing. Allele origin: germline.
Comment: Algorithms developed to predict the effect of sequence changes on RNA splicing suggest that this variant may disrupt the consensus splice site. Algorithms developed to predict the effect of missense changes on protein structure and function are either unavailable or do not agree on the potential impact of this missense change (SIFT: "Tolerated"; PolyPhen-2: "Probably Damaging"; Align-GVGD: "Class C0"). ClinVar contains an entry for this variant (Variation ID: 1502824). This variant has not been reported in the literature in individuals affected with TTC21B-related conditions. This variant is present in population databases (rs764523560, gnomAD 0.003%). This sequence change replaces arginine, which is basic and polar, with serine, which is neutral and polar, at codon 237 of the TTC21B protein (p.Arg237Ser). In summary, the available evidence is currently insufficient to determine the role of this variant in disease. Therefore, it has been classified as a Variant of Uncertain Significance.

PreventionGenetics, part of Exact Sciences
Classification: Uncertain significance for TTC21B-related condition. Last evaluated: 2024-07-23. Review status: no assertion criteria provided. Collection method: clinical testing. Allele origin: germline. Not counted in ClinVar's aggregate classification.
Comment: The TTC21B c.711G>T variant is predicted to result in the amino acid substitution p.Arg237Ser. This variant was reported on the same allele with the c.764A>G (p.Tyr255Cys) variant in an individual with Bardet-Biedl syndrome (Davis et al 2011. PubMed ID: 21258341). This variant is reported in 0.0033% of alleles in individuals of South Asian descent in gnomAD. At this time, the clinical significance of this variant is uncertain due to the absence of conclusive functional and genetic evidence.